The following is an entry in ClinVar:

ClinVar aggregate classification (germline): Pathogenic (1 of 4 stars; one submission).

Conditions:
Congenital disorder of glycosylation, type 2v. Identifiers: Orphanet 695783, MedGen C5561971, MONDO:0030423, OMIM 619493.

Submission:

Juno Genomics, Hangzhou Juno Genomics, Inc
Classification: Pathogenic for Congenital disorder of glycosylation, type 2v. Review status: criteria provided, single submitter. Criteria: ACMG Guidelines, 2015. Collection method: clinical testing. Allele origin: germline. Affected: yes.
Comment: Null variant in a gene where loss of function (LOF) is a known mechanism of disease.;Absent from controls (or at extremely low frequency if recessive) in Genome Aggregation Database, Exome Sequencing Project, 1000 Genomes Project, or Exome Aggregation Consortium.;For recessive disorders, detected in trans with a pathogenic variant.

NM_025191.4(EDEM3):c.848del (p.Arg283fs)

Gene: EDEM3 (ER degradation enhancing alpha-mannosidase like protein 3; minus strand). Cytogenetic location: 1q25.3.
Variant type: Deletion.
Coding change: c.848del on transcript NM_025191.4 (MANE Select); coding-DNA position 848, one base deleted (G; older notation c.848delG).
Protein change: p.Arg283fs; shifts the reading frame from arginine 283.
Molecular consequence: frameshift variant. On other transcripts: non-coding transcript variant (1).
Genome position (GRCh38, 1-based): chr1:184,723,756, C deleted on the plus strand (G on the coding strand, the reverse complement: EDEM3 is on the minus strand). VCF-style (leftmost placement, unchanged base first): chr1-184723755-TC-T. GRCh37 (hg19) VCF-style: chr1-184692889-TC-T.
Other names: c.848del, p.Arg283fs (NM_001319960.2); short protein forms R283fs.
Identifiers: ClinVar variation 3382610 (VCV003382610.2).
Genomic context (GRCh38, chr1:184,723,755, plus strand): 5'-TTTCCCAACCATTTTGAGGATGCAAAGGCTTGATTTAAAAAGCCTAACTTACATACCTTT[TC>T]GTACCCAATCTCCAGTATGAATATTTATAGTCACGCCCACTAAATTACTACTTCGCTGTC-3'